The following is an entry in ClinVar:

ClinVar aggregate classification (germline): Uncertain significance. Review status: criteria provided, multiple submitters, no conflicts (2 of 4 stars). 2 submissions from 2 submitters: Uncertain significance (2). Last evaluated 2025-04-18.

Conditions:
Hereditary cancer-predisposing syndrome. Also called: Neoplastic Syndromes, Hereditary; Tumor predisposition; Hereditary Cancer Syndrome; Hereditary neoplastic syndrome. Identifiers: Orphanet 140162, MedGen C0027672, MeSH D009386, MONDO:0015356.
Familial cancer of breast. Also called: BREAST CANCER, FAMILIAL; Hereditary breast cancer; hereditary breast carcinoma. Identifiers: Orphanet 227535, MedGen C0346153, MONDO:0016419, OMIM 114480. Disease mechanism: loss of function.

Allele frequency attached by ClinVar (database versions not stated): gnomAD exomes 0.00001; ExAC 0.00002.
gnomAD v4.1: 8 of 1,614,068 alleles (0.0005%); highest among the groups gnomAD compares: South Asian, 0.0077%; no homozygotes.

Submissions (2):

Labcorp Genetics (formerly Invitae), Labcorp
Classification: Uncertain significance for Familial cancer of breast. Last evaluated: 2025-04-18. Review status: criteria provided, single submitter. Criteria: Invitae Variant Classification Sherloc (09022015). Collection method: clinical testing. Allele origin: germline.
Comment: This sequence change replaces cysteine, which is neutral and slightly polar, with serine, which is neutral and polar, at codon 108 of the CHEK2 protein (p.Cys108Ser). This variant is present in population databases (rs730881681, gnomAD 0.01%). This variant has not been reported in the literature in individuals affected with CHEK2-related conditions. ClinVar contains an entry for this variant (Variation ID: 186263). An algorithm developed to predict the effect of missense changes on protein structure and function (PolyPhen-2) suggests that this variant is likely to be disruptive. In summary, the available evidence is currently insufficient to determine the role of this variant in disease. Therefore, it has been classified as a Variant of Uncertain Significance.

Ambry Genetics
Classification: Uncertain significance for Hereditary cancer-predisposing syndrome. Last evaluated: 2024-05-20. Review status: criteria provided, single submitter. Criteria: Ambry Variant Classification Scheme 2023. Collection method: clinical testing. Allele origin: germline.
Comment: The p.C108S variant (also known as c.322T>A), located in coding exon 2 of the CHEK2 gene, results from a T to A substitution at nucleotide position 322. The cysteine at codon 108 is replaced by serine, an amino acid with dissimilar properties. This alteration was reported as functionally impaired in a study assessing CHEK2-complementation through quantification of KAP1 phosphorylation and CHK2 autophosphorylation in human RPE1-CHEK2-knockout cells (Stolarova L et al. Clin Cancer Res, 2023 Aug;29:3037-3050). This amino acid position is highly conserved in available vertebrate species. In addition, this alteration is predicted to be deleterious by in silico analysis. Based on the available evidence, the clinical significance of this variant remains unclear.

Literature cited by the submitters: PubMed 32658311 (cited by Ambry Genetics); PubMed 37449874 (cited by Ambry Genetics).

NM_007194.4(CHEK2):c.322T>A (p.Cys108Ser)

Gene: CHEK2 (checkpoint kinase 2; minus strand). Cytogenetic location: 22q12.1.
Variant type: single nucleotide variant.
Coding change: c.322T>A on transcript NM_007194.4 (MANE Select); coding-DNA position 322, T replaced by A.
Protein change: p.Cys108Ser; replaces cysteine 108 with serine.
Molecular consequence: missense variant.
Genome position (GRCh38, 1-based): chr22:28,725,365, A>T on the plus strand (T>A on the coding strand, the complement: CHEK2 is on the minus strand). VCF-style: chr22-28725365-A-T. GRCh37 (hg19) VCF-style: chr22-29121353-A-T.
Other names: c.451T>A, p.Cys151Ser (NM_001005735.3); c.-456T>A (NM_001257387.3); c.322T>A, p.Cys108Ser (NM_001349956.3, NM_145862.3); short protein forms C108S, C151S.
Identifiers: ClinVar variation 186263 (VCV000186263.18), dbSNP rs730881681, ClinGen allele CA194288.
Genomic context (GRCh38, chr22:28,725,365, plus strand): 5'-GTTCATCAAAGCAATATTCACAGCTTTTGTCCCTCCCAAACCAGTAGTTGTCATTCACAC[A>T]TTCTGTAATATAAAAGCATGCATCAGAGGGCTGTTGAATTTCATGTATCAAACGTTTAAA-3'
Protein context (NP_009125.1, residues 98-118): ALQDGFANLE[Cys108Ser]VNDNYWFGRD